The following is an entry in ClinVar:

ClinVar aggregate classification (germline): Uncertain significance (1 of 4 stars; one submission).

Conditions:
Hereditary cancer-predisposing syndrome. Also called: Tumor predisposition; Neoplastic Syndromes, Hereditary; Hereditary neoplastic syndrome; Hereditary Cancer Syndrome. Identifiers: Orphanet 140162, MedGen C0027672, MeSH D009386, MONDO:0015356.

Submission:

Color Diagnostics, LLC DBA Color Health
Classification: Uncertain significance for Hereditary cancer-predisposing syndrome. Last evaluated: 2023-12-04. Review status: criteria provided, single submitter. Criteria: ACMG Guidelines, 2015. Collection method: clinical testing. Allele origin: germline.
Comment: This missense variant replaces leucine with isoleucine at codon 2715 of the ATM protein. Computational prediction is inconclusive regarding the impact of this variant on protein structure and function (internally defined REVEL score threshold 0.5 < inconclusive < 0.7, PMID: 27666373). To our knowledge, functional studies have not been reported for this variant. This variant has not been reported in individuals affected with ATM-related disorders in the literature. This variant has not been identified in the general population by the Genome Aggregation Database (gnomAD). The available evidence is insufficient to determine the role of this variant in disease conclusively. Therefore, this variant is classified as a Variant of Uncertain Significance.

NM_000051.4(ATM):c.8143C>A (p.Leu2715Ile)

Genes: ATM (ATM serine/threonine kinase; plus strand), C11orf65 (chromosome 11 open reading frame 65; minus strand). Cytogenetic location: 11q22.3.
Variant type: single nucleotide variant.
Coding change: c.8143C>A on transcript NM_000051.4 (MANE Select); coding-DNA position 8143, C replaced by A.
Protein change: p.Leu2715Ile; replaces leucine 2715 with isoleucine.
Molecular consequence: missense variant. On other transcripts: intron variant (2).
Genome position (GRCh38, 1-based): chr11:108,335,101, C>A. VCF-style: chr11-108335101-C-A. GRCh37 (hg19) VCF-style: chr11-108205828-C-A.
Other names: c.8143C>A, p.Leu2715Ile (NM_001351834.2); c.641-26030G>T (NM_001330368.2); c.*38+119G>T (NM_001351110.2); short protein forms L2715I.
Identifiers: ClinVar variation 919936 (VCV000919936.5), dbSNP rs1591192429, ClinGen allele CA382562245.